The following is an entry in ClinVar:

ClinVar aggregate classification (germline): Uncertain significance (1 of 4 stars; one submission).

Conditions:
Inborn genetic diseases. Identifiers: MedGen C0950123, MeSH D030342.

Allele frequency attached by ClinVar (database versions not stated): gnomAD 0.00001; TOPMed 0.00001; ExAC 0.00002.
gnomAD v4.1: 3 of 1,613,976 alleles (0.00019%); highest among the groups gnomAD compares: African/African-American, 0.0013%; no homozygotes.

Submission:

Ambry Genetics
Classification: Uncertain significance for Inborn genetic diseases. Last evaluated: 2021-05-05. Review status: criteria provided, single submitter. Criteria: Ambry Variant Classification Scheme 2023. Collection method: clinical testing. Allele origin: germline.
Comment: The p.R219S variant (also known as c.657A>T), located in coding exon 7 of the VRK1 gene, results from an A to T substitution at nucleotide position 657. The arginine at codon 219 is replaced by serine, an amino acid with dissimilar properties. This amino acid position is highly conserved in available vertebrate species. In addition, this alteration is predicted to be tolerated by in silico analysis. Since supporting evidence is limited at this time, the clinical significance of this alteration remains unclear.

NM_003384.3(VRK1):c.657A>T (p.Arg219Ser)

Gene: VRK1 (VRK serine/threonine kinase 1; plus strand). Cytogenetic location: 14q32.2.
Variant type: single nucleotide variant.
Coding change: c.657A>T on transcript NM_003384.3 (MANE Select); coding-DNA position 657, A replaced by T.
Protein change: p.Arg219Ser; replaces arginine 219 with serine.
Molecular consequence: missense variant.
Genome position (GRCh38, 1-based): chr14:96,855,304, A>T. VCF-style: chr14-96855304-A-T. GRCh37 (hg19) VCF-style: chr14-97321641-A-T.
Other names: c.657A>T, p.Arg219Ser (NM_001411051.1, NM_001411053.1); short protein forms R219S.
Identifiers: ClinVar variation 1754275 (VCV001754275.2), dbSNP rs775565899, ClinGen allele CA7339041.